The following is an entry in ClinVar:

NM_194248.3(OTOF):c.383G>A (p.Trp128Ter)

Gene: OTOF (otoferlin; minus strand). Cytogenetic location: 2p23.3.
Variant type: single nucleotide variant.
Coding change: c.383G>A on transcript NM_194248.3 (MANE Select); coding-DNA position 383, G replaced by A.
Protein change: p.Trp128Ter; replaces tryptophan 128 with a stop codon.
Molecular consequence: nonsense.
Genome position (GRCh38, 1-based): chr2:26,516,544, C>T on the plus strand (G>A on the coding strand, the complement: OTOF is on the minus strand). VCF-style: chr2-26516544-C-T. GRCh37 (hg19) VCF-style: chr2-26739412-C-T.
Other names: c.383G>A, p.Trp128Ter (NM_001287489.2); short protein forms W128*.
Identifiers: ClinVar variation 2795215 (VCV002795215.3), dbSNP rs1200977386, ClinGen allele CA346139484.
Genomic context (GRCh38, chr2:26,516,544, plus strand): 5'-TCTTGGCTGTCCTTCTCTTCCTCTTGAAGAGACTCATCTCCCAGGAAGTCCCCATCGTCC[C>T]AGGAGCCCACTGTGCCGTCAGTGGCCTGATACCGGACCTCCACGCACAGGCTGGTCTGAA-3'

ClinVar aggregate classification (germline): Pathogenic (1 of 4 stars; one submission).

Allele frequency attached by ClinVar (database versions not stated): gnomAD 0.00001.

Submission:

Labcorp Genetics (formerly Invitae), Labcorp
Classification: Pathogenic. Last evaluated: 2023-03-11. Review status: criteria provided, single submitter. Criteria: Invitae Variant Classification Sherloc (09022015). Collection method: clinical testing. Allele origin: germline.
Comment: For these reasons, this variant has been classified as Pathogenic. This variant has not been reported in the literature in individuals affected with OTOF-related conditions. This variant is present in population databases (no rsID available, gnomAD 0.01%). This sequence change creates a premature translational stop signal (p.Trp128*) in the OTOF gene. It is expected to result in an absent or disrupted protein product. Loss-of-function variants in OTOF are known to be pathogenic (PMID: 18381613, 19250381, 22575033).

Literature cited by the submitters: PubMed 18381613; PubMed 19250381; PubMed 22575033.